The following is an entry in ClinVar:

NM_001039706.3(CFAP69):c.1468G>A (p.Val490Met)

Gene: CFAP69 (cilia and flagella associated protein 69; plus strand). Cytogenetic location: 7q21.13.
Variant type: single nucleotide variant.
Coding change: c.1468G>A on transcript NM_001039706.3 (MANE Select); coding-DNA position 1468, G replaced by A.
Protein change: p.Val490Met; replaces valine 490 with methionine.
Molecular consequence: missense variant.
Genome position (GRCh38, 1-based): chr7:90,282,987, G>A. VCF-style: chr7-90282987-G-A. GRCh37 (hg19) VCF-style: chr7-89912301-G-A.
Other names: c.1414G>A, p.Val472Met (NM_001160138.2); c.1468G>A, p.Val490Met (NM_001363438.1); c.1468G>A (NM_001039706.2); short protein forms V472M, V490M.
Identifiers: ClinVar variation 1192635 (VCV001192635.6), dbSNP rs1029365, ClinGen allele CA4333545.
Genomic context (GRCh38, chr7:90,282,987, plus strand): 5'-ACAGGTGGCCGAGGCAACAAGTTTGCCCAGATGCGTTACAGTTTAAGACTCCTGAGAGCC[G>A]TGGTCTACCTTGAAGATGAGACTGTAAACAAAGATCTTTGTGAAAAGGGAACAATTCAGC-3'
Protein context (NP_001034795.2, residues 480-500): MRYSLRLLRA[Val490Met]VYLEDETVNK

ClinVar aggregate classification (germline): Benign. Review status: criteria provided, multiple submitters, no conflicts (2 of 4 stars). 3 submissions from 3 submitters: Benign (2). 1 of the submissions does not count toward it. Last evaluated 2021-07-14.

Conditions:
CFAP69-related disorder. Also called: CFAP69-related condition.
Spermatogenic failure 24. Identifiers: MedGen C4693751, MONDO:0054728, OMIM 617959.

Allele frequency attached by ClinVar (database versions not stated): gnomAD exomes 0.78752; ESP Exome Variant Server 0.79527; gnomAD 0.81446 and 0.81835; TOPMed 0.81605; 1000 Genomes Project 30x 0.87992; 1000 Genomes Project 0.88419.
gnomAD v4.1: 1,259,977 of 1,593,122 alleles (79%); highest among the groups gnomAD compares: East Asian, 100%; 500,608 homozygotes.

Submissions (3):

Genome-Nilou Lab
Classification: Benign for Spermatogenic failure 24. Last evaluated: 2021-07-14. Review status: criteria provided, single submitter. Criteria: ACMG Guidelines, 2015. Collection method: clinical testing. Allele origin: germline. Affected: no.

Breakthrough Genomics
Classification: Benign. Review status: criteria provided, single submitter. Criteria: ACMG Guidelines, 2015. Collection method: not provided. Allele origin: germline. Inheritance: Autosomal recessive inheritance. Affected: yes.

PreventionGenetics, part of Exact Sciences
Classification: Benign for CFAP69-related condition. Last evaluated: 2019-10-16. Review status: no assertion criteria provided. Collection method: clinical testing. Allele origin: germline. Not counted in ClinVar's aggregate classification.
Comment: This variant is classified as benign based on ACMG/AMP sequence variant interpretation guidelines (Richards et al. 2015 PMID: 25741868, with internal and published modifications).